The following is an entry in ClinVar:

ClinVar aggregate classification (germline): Uncertain significance. Review status: criteria provided, multiple submitters, no conflicts (2 of 4 stars). 2 submissions from 2 submitters: Uncertain significance (2). Last evaluated 2024-12-03.

Conditions:
Primary ciliary dyskinesia. Also called: Ciliary dyskinesia. Identifiers: Orphanet 244, MedGen C0008780, MONDO:0016575, HP:0012265.

Allele frequency attached by ClinVar (database versions not stated): gnomAD 0.00001; gnomAD exomes 0.00001.
gnomAD v4.1: 5 of 1,611,360 alleles (0.00031%); highest among the groups gnomAD compares: East Asian, 0.0089%; no homozygotes.

Submissions (2):

Ambry Genetics
Classification: Uncertain significance for Primary ciliary dyskinesia. Last evaluated: 2024-12-03. Review status: criteria provided, single submitter. Criteria: Ambry Variant Classification Scheme 2023. Collection method: clinical testing. Allele origin: germline.

Labcorp Genetics (formerly Invitae), Labcorp
Classification: Uncertain significance for Primary ciliary dyskinesia. Last evaluated: 2022-07-11. Review status: criteria provided, single submitter. Criteria: Invitae Variant Classification Sherloc (09022015). Collection method: clinical testing. Allele origin: germline.
Comment: This sequence change replaces tyrosine, which is neutral and polar, with phenylalanine, which is neutral and non-polar, at codon 4490 of the DNAH11 protein (p.Tyr4490Phe). This variant is present in population databases (no rsID available, gnomAD 0.02%). This variant has not been reported in the literature in individuals affected with DNAH11-related conditions. ClinVar contains an entry for this variant (Variation ID: 525297). Advanced modeling of protein sequence and biophysical properties (such as structural, functional, and spatial information, amino acid conservation, physicochemical variation, residue mobility, and thermodynamic stability) performed at Invitae indicates that this missense variant is not expected to disrupt DNAH11 protein function. In summary, the available evidence is currently insufficient to determine the role of this variant in disease. Therefore, it has been classified as a Variant of Uncertain Significance.

NM_001277115.2(DNAH11):c.13469A>T (p.Tyr4490Phe)

Genes: CDCA7L (cell division cycle associated 7 like; minus strand), DNAH11 (dynein axonemal heavy chain 11; plus strand). Cytogenetic location: 7p15.3.
Variant type: single nucleotide variant.
Coding change: c.13469A>T on transcript NM_001277115.2 (MANE Select); coding-DNA position 13469, A replaced by T.
Protein change: p.Tyr4490Phe; replaces tyrosine 4490 with phenylalanine.
Molecular consequence: missense variant. On other transcripts: 3 prime UTR variant (3).
Genome position (GRCh38, 1-based): chr7:21,901,172, A>T. VCF-style: chr7-21901172-A-T. GRCh37 (hg19) VCF-style: chr7-21940790-A-T.
Other names: c.*1150T>A (NM_001127370.3, NM_001127371.3, NM_018719.5); short protein forms Y4490F.
Identifiers: ClinVar variation 525297 (VCV000525297.7), dbSNP rs1320072390, ClinGen allele CA366957133.